The following is an entry in ClinVar:

NM_022772.4(EPS8L2):c.1042T>G (p.Phe348Val)

Gene: EPS8L2 (EPS8 signaling adaptor L2; plus strand). Cytogenetic location: 11p15.5.
Variant type: single nucleotide variant.
Coding change: c.1042T>G on transcript NM_022772.4 (MANE Select); coding-DNA position 1042, T replaced by G.
Protein change: p.Phe348Val; replaces phenylalanine 348 with valine.
Molecular consequence: missense variant.
Genome position (GRCh38, 1-based): chr11:722,148, T>G. VCF-style: chr11-722148-T-G. GRCh37 (hg19) VCF-style: chr11-722148-T-G.
Other names: short protein forms F348V.
Identifiers: ClinVar variation 2428435 (VCV002428435.3), dbSNP rs1326844042, ClinGen allele CA378970837.

ClinVar aggregate classification (germline): Uncertain significance (1 of 4 stars; one submission).

Allele frequency attached by ClinVar (database versions not stated): gnomAD exomes 0.00001; TOPMed 0.00001.
gnomAD v4.1: 3 of 1,612,660 alleles (0.00019%); highest among the groups gnomAD compares: Admixed American, 0.005%; no homozygotes.

Submission:

Labcorp Genetics (formerly Invitae), Labcorp
Classification: Uncertain significance. Last evaluated: 2022-05-06. Review status: criteria provided, single submitter. Criteria: Invitae Variant Classification Sherloc (09022015). Collection method: clinical testing. Allele origin: germline.
Comment: This sequence change replaces phenylalanine, which is neutral and non-polar, with valine, which is neutral and non-polar, at codon 348 of the EPS8L2 protein (p.Phe348Val). This variant is present in population databases (no rsID available, gnomAD 0.006%). This variant has not been reported in the literature in individuals affected with EPS8L2-related conditions. Algorithms developed to predict the effect of missense changes on protein structure and function are either unavailable or do not agree on the potential impact of this missense change (SIFT: "Deleterious"; PolyPhen-2: "Probably Damaging"; Align-GVGD: "Class C0"). In summary, the available evidence is currently insufficient to determine the role of this variant in disease. Therefore, it has been classified as a Variant of Uncertain Significance.